The following is an entry in ClinVar:

ClinVar aggregate classification (germline): Uncertain significance (1 of 4 stars; one submission).

Conditions:
Primary ciliary dyskinesia. Also called: Ciliary dyskinesia. Identifiers: Orphanet 244, MedGen C0008780, MONDO:0016575, HP:0012265.

gnomAD v4.1: 5 of 1,614,074 alleles (0.00031%); highest among the groups gnomAD compares: Non-Finnish European, 0.00042%; no homozygotes.

Submission:

Labcorp Genetics (formerly Invitae), Labcorp
Classification: Uncertain significance for Primary ciliary dyskinesia. Last evaluated: 2025-10-26. Review status: criteria provided, single submitter. Criteria: Invitae Variant Classification Sherloc (09022015). Collection method: clinical testing. Allele origin: germline.
Comment: This sequence change replaces lysine, which is basic and polar, with threonine, which is neutral and polar, at codon 4105 of the DNAH8 protein (p.Lys4105Thr). This variant is present in population databases (rs371021462, gnomAD 0.002%). This variant has not been reported in the literature in individuals affected with DNAH8-related conditions. Invitae Evidence Modeling of protein sequence and biophysical properties (such as structural, functional, and spatial information, amino acid conservation, physicochemical variation, residue mobility, and thermodynamic stability) indicates that this missense variant is expected to disrupt DNAH8 protein function with a positive predictive value of 80%. In summary, the available evidence is currently insufficient to determine the role of this variant in disease. Therefore, it has been classified as a Variant of Uncertain Significance.

NM_001206927.2(DNAH8):c.12314A>C (p.Lys4105Thr)

Genes: DNAH8 (dynein axonemal heavy chain 8; plus strand), DNAH8-AS1 (DNAH8 antisense RNA 1; minus strand). Cytogenetic location: 6p21.2.
Variant type: single nucleotide variant.
Coding change: c.12314A>C on transcript NM_001206927.2 (MANE Select); coding-DNA position 12314, A replaced by C.
Protein change: p.Lys4105Thr; replaces lysine 4105 with threonine.
Molecular consequence: missense variant.
Genome position (GRCh38, 1-based): chr6:38,951,383, A>C. VCF-style: chr6-38951383-A-C. GRCh37 (hg19) VCF-style: chr6-38919159-A-C.
Other names: c.11663A>C, p.Lys3888Thr (NM_001371.4); short protein forms K4105T, K3888T.
Identifiers: ClinVar variation 4708644 (VCV004708644.1).